The following is an entry in ClinVar:

ClinVar aggregate classification (germline): Pathogenic. Review status: reviewed by expert panel (3 of 4 stars). 5 submissions from 5 submitters: Pathogenic (1). 4 of the submissions do not count toward it. Last evaluated 2016-10-18.

Conditions:
Hereditary cancer-predisposing syndrome. Also called: Tumor predisposition; Neoplastic Syndromes, Hereditary; Hereditary neoplastic syndrome; Hereditary Cancer Syndrome. Identifiers: Orphanet 140162, MedGen C0027672, MeSH D009386, MONDO:0015356.
Hereditary breast ovarian cancer syndrome. Also called: Hereditary breast and ovarian cancer; Hereditary breast and ovarian cancer syndrome (HBOC); Hereditary breast and/or ovarian cancer syndrome; Breast and ovarian cancer; Hereditary breast and ovarian cancer syndrome; BRCA1- and BRCA2-Associated Hereditary Breast and Ovarian Cancer. Identifiers: Orphanet 145, MedGen C0677776, MeSH D061325, MONDO:0003582. Disease mechanism: loss of function.
Breast-ovarian cancer, familial, susceptibility to, 2 (BROVCA2). Also called: BRCA2 Hereditary Breast and Ovarian Cancer. Identifiers: Orphanet 145, MedGen C2675520, MONDO:0012933, OMIM 612555. Disease mechanism: loss of function.

Submissions (5):

Evidence-based Network for the Interpretation of Germline Mutant Alleles (ENIGMA)
Classification: Pathogenic for Breast-ovarian cancer, familial, susceptibility to, 2. Last evaluated: 2016-10-18. Review status: reviewed by expert panel. Criteria: ENIGMA BRCA1/2 Classification Criteria (2015). Collection method: curation. Allele origin: germline.
Comment: Variant allele predicted to encode a truncated non-functional protein.

Center for Genomic Medicine, Rigshospitalet, Copenhagen University Hospital
Classification: Pathogenic. Last evaluated: 2025-03-04. Review status: criteria provided, single submitter. Criteria: ACMG Guidelines, 2015. Collection method: clinical testing. Allele origin: germline. Not counted in ClinVar's aggregate classification.

Labcorp Genetics (formerly Invitae), Labcorp
Classification: Pathogenic for Hereditary breast ovarian cancer syndrome. Last evaluated: 2019-03-13. Review status: criteria provided, single submitter. Criteria: Invitae Variant Classification Sherloc (09022015). Collection method: clinical testing. Allele origin: germline. Not counted in ClinVar's aggregate classification.
Comment: Loss-of-function variants in BRCA2 are known to be pathogenic (PMID: 20104584). This variant has been observed in an individual affected with breast cancer (PMID: 28724667). This variant is also known as c.2269_2270del (p.K757fs) in the literature. ClinVar contains an entry for this variant (Variation ID: 266693). For these reasons, this variant has been classified as Pathogenic. This variant is not present in population databases (ExAC no frequency). This sequence change creates a premature translational stop signal (p.Leu759Phefs*3) in the BRCA2 gene. It is expected to result in an absent or disrupted protein product.

Ambry Genetics
Classification: Pathogenic for Hereditary cancer-predisposing syndrome. Last evaluated: 2019-01-03. Review status: criteria provided, single submitter. Criteria: Ambry Variant Classification Scheme 2023. Collection method: clinical testing. Allele origin: germline. Not counted in ClinVar's aggregate classification.
Comment: The c.2271_2272delAA pathogenic mutation, located in coding exon 10 of the BRCA2 gene, results from a deletion of two nucleotides at nucleotide positions 2271 to 2272, causing a translational frameshift with a predicted alternate stop codon (p.L759Ffs*3). This alteration is expected to result in loss of function by premature protein truncation or nonsense-mediated mRNA decay. As such, this alteration is interpreted as a disease-causing mutation.

Consortium of Investigators of Modifiers of BRCA1/2 (CIMBA), c/o University of Cambridge
Classification: Pathogenic for Breast-ovarian cancer, familial, susceptibility to, 2. Last evaluated: 2015-10-02. Review status: criteria provided, single submitter. Criteria: CIMBA Mutation Classification guidelines May 2016. Collection method: clinical testing. Allele origin: germline. Not counted in ClinVar's aggregate classification.

Literature cited by the submitters: PubMed 20104584 (cited by Labcorp Genetics (formerly Invitae), Labcorp); PubMed 28724667 (cited by Labcorp Genetics (formerly Invitae), Labcorp).

NM_000059.4(BRCA2):c.2271_2272del (p.Leu759fs)

Gene: BRCA2 (BRCA2 DNA repair associated; plus strand). Cytogenetic location: 13q13.1.
Variant type: Deletion.
Coding change: c.2271_2272del on transcript NM_000059.4 (MANE Select); coding-DNA positions 2271 to 2272, 2 bases deleted (AA; older notation c.2271_2272delAA).
Protein change: p.Leu759fs; shifts the reading frame from leucine 759.
Molecular consequence: frameshift variant.
Genome position (GRCh38, 1-based): chr13:32,336,626-32,336,627, AA deleted; deleting any 2 consecutive bases within chr13:32,336,624-32,336,627 gives the same sequence; the c. name uses the placement nearest the transcript's 3' end. VCF-style (leftmost placement, unchanged base first): chr13-32336623-GAA-G. GRCh37 (hg19) VCF-style: chr13-32910760-GAA-G.
Other names: 2497delAA; c.2271_2272delAA (NM_000059.3); short protein forms L759fs.
Identifiers: ClinVar variation 266693 (VCV000266693.22), dbSNP rs886040420, ClinGen allele CA10589149.